The following is an entry in ClinVar:

NM_006662.3(SRCAP):c.451T>G (p.Phe151Val)

Gene: SRCAP (Snf2 related CREBBP activator protein; plus strand). Cytogenetic location: 16p11.2.
Variant type: single nucleotide variant.
Coding change: c.451T>G on transcript NM_006662.3 (MANE Select); coding-DNA position 451, T replaced by G.
Protein change: p.Phe151Val; replaces phenylalanine 151 with valine.
Molecular consequence: missense variant.
Genome position (GRCh38, 1-based): chr16:30,707,327, T>G. VCF-style: chr16-30707327-T-G. GRCh37 (hg19) VCF-style: chr16-30718648-T-G.
Other names: short protein forms F151V.
Identifiers: ClinVar variation 3373301 (VCV003373301.1).

ClinVar aggregate classification (germline): Uncertain significance (1 of 4 stars; one submission).

Submission:

GeneDx
Classification: Uncertain significance. Last evaluated: 2024-02-27. Review status: criteria provided, single submitter. Criteria: GeneDx Variant Classification Process June 2021. Collection method: clinical testing. Allele origin: germline. Affected: yes.
Comment: Not observed at significant frequency in large population cohorts (gnomAD); In silico analysis supports that this missense variant has a deleterious effect on protein structure/function; Has not been previously published as pathogenic or benign to our knowledge